The following is an entry in ClinVar:

NM_003585.5(DOC2B):c.513G>T (p.Leu171=)

Gene: DOC2B (double C2 domain beta; minus strand). Cytogenetic location: 17p13.3.
Variant type: single nucleotide variant.
Coding change: c.513G>T on transcript NM_003585.5 (MANE Select); coding-DNA position 513, G replaced by T.
Protein change: p.Leu171=; no amino-acid change (leucine 171 retained).
Molecular consequence: synonymous variant.
Genome position (GRCh38, 1-based): chr17:164,145, C>A on the plus strand (G>T on the coding strand, the complement: DOC2B is on the minus strand). VCF-style: chr17-164145-C-A. GRCh37 (hg19) VCF-style: chr17-13936-C-A.
Identifiers: ClinVar variation 4822660 (VCV004822660.4).

ClinVar aggregate classification (germline): Likely benign (1 of 4 stars; one submission).

gnomAD v4.1: 31 of 1,553,056 alleles (0.002%); highest among the groups gnomAD compares: South Asian, 0.033%; no homozygotes.

Submission:

CeGaT Center for Human Genetics Tuebingen
Classification: Likely benign. Last evaluated: 2026-01-01. Review status: criteria provided, single submitter. Criteria: CeGaT Center For Human Genetics Tuebingen Variant Classification Criteria Version 2. Collection method: clinical testing. Allele origin: germline. Affected: yes. Observed: 1 variant allele.
Comment: DOC2B: BP4, BP7